The following is an entry in ClinVar:

ClinVar aggregate classification (germline): Uncertain significance (1 of 4 stars; one submission).

Submission:

GeneDx
Classification: Uncertain significance. Last evaluated: 2017-02-27. Review status: criteria provided, single submitter. Criteria: GeneDx Variant Classification (06012015). Collection method: clinical testing. Allele origin: germline. Affected: yes.
Comment: The D1260N variant has not been published as a pathogenic variant, nor has it been reported as a benign variant to our knowledge. The D1260N variant is not observed in large population cohorts (Lek et al., 2016; 1000 Genomes Consortium et al., 2015; Exome Variant Server). This variant is a semi-conservative amino acid substitution, which may impact secondary protein structure as these residues differ in some properties. This substitution occurs at a position that is conserved across species, and in silico analysis predicts this variant is probably damaging to the protein structure/function. However, missense variants in nearby residues have not been reported in the Human Gene Mutation Database in association with RYR1-related disorders (Stenson et al., 2014).

NM_000540.3(RYR1):c.3778G>A (p.Asp1260Asn)

Gene: RYR1 (ryanodine receptor 1; plus strand). Cytogenetic location: 19q13.2.
Variant type: single nucleotide variant.
Coding change: c.3778G>A on transcript NM_000540.3 (MANE Select); coding-DNA position 3778, G replaced by A.
Protein change: p.Asp1260Asn; replaces aspartic acid 1260 with asparagine.
Molecular consequence: missense variant.
Genome position (GRCh38, 1-based): chr19:38,473,389, G>A. VCF-style: chr19-38473389-G-A. GRCh37 (hg19) VCF-style: chr19-38964029-G-A.
Other names: c.3778G>A, p.Asp1260Asn (NM_001042723.2); short protein forms D1260N.
Identifiers: ClinVar variation 423687 (VCV000423687.2), dbSNP rs1064796577, ClinGen allele CA16620829.